The following is an entry in ClinVar:

NM_025114.4(CEP290):c.5649dup (p.Leu1884fs)

Gene: CEP290 (centrosomal protein 290; minus strand). Cytogenetic location: 12q21.32.
Variant type: Duplication.
Coding change: c.5649dup on transcript NM_025114.4 (MANE Select); coding-DNA position 5649, one base duplicated (A; older notation c.5649dupA).
Protein change: p.Leu1884fs; shifts the reading frame from leucine 1884.
Molecular consequence: frameshift variant.
Genome position (GRCh38, 1-based): chr12:88,077,282, T duplicated on the plus strand (A on the coding strand, the reverse complement: CEP290 is on the minus strand); the first of 6 consecutive T bases (chr12:88,077,282-88,077,287); duplicating any one gives the same sequence. VCF-style (leftmost placement, unchanged base first): chr12-88077281-G-GT. GRCh37 (hg19) VCF-style: chr12-88471058-G-GT.
Other names: c.5649dupA (NM_025114.3); short protein forms L1884fs.
Identifiers: ClinVar variation 99860 (VCV000099860.17), dbSNP rs281865188, ClinGen allele CA227980.

ClinVar aggregate classification (germline): Pathogenic. Review status: criteria provided, multiple submitters, no conflicts (2 of 4 stars). 8 submissions from 8 submitters: Pathogenic (6). 2 of the submissions do not count toward it. Last evaluated 2025-11-26.

Conditions:
CEP290-related ciliopathy. Also called: CEP290 ciliopathy. Identifiers: MedGen CN305601, MONDO:0100451.
Paediatric disorders.
CEP290-related disorder. Also called: CEP290-related disorders; CEP290-related condition. Identifiers: MedGen CN239314.
Meckel-Gruber syndrome. Also called: DYSENCEPHALIA SPLANCHNOCYSTICA; GRUBER SYNDROME; Dysencephalia splachnocystica. Identifiers: Orphanet 564, MedGen C0265215, MONDO:0018921.
Nephronophthisis. Also called: Juvenile Nephronophthisis. Identifiers: Orphanet 655, MedGen C0687120, MONDO:0019005, HP:0000090.
Joubert syndrome. Also called: JOUBERT-BOLTSHAUSER SYNDROME; Familial aplasia of the vermis. Identifiers: Orphanet 475, MedGen C5979921, MONDO:0018772.
Leber congenital amaurosis 10 (LCA10). Identifiers: Orphanet 65, MedGen C1857821, MONDO:0012723, OMIM 611755.
Meckel syndrome, type 4 (MKS4). Also called: MECKEL-GRUBER SYNDROME, TYPE 4. Identifiers: Orphanet 564, MedGen C1970161, MONDO:0012626, OMIM 611134.
Senior-Loken syndrome 6 (SLSN6). Identifiers: Orphanet 3156, MedGen C1857779, MONDO:0012433, OMIM 610189.
Joubert syndrome 5 (JBTS5). Identifiers: Orphanet 2318, MedGen C1857780, MONDO:0012432, OMIM 610188.
Bardet-Biedl syndrome 14 (BBS14). Identifiers: Orphanet 110, MedGen C2673874, MONDO:0014442, OMIM 615991.
Retinitis pigmentosa (RP). Identifiers: Orphanet 791, MedGen C0035334, MeSH D012174, MONDO:0019200, OMIM 268000. Inheritance: Autosomal dominant, autosomal recessive and X linked inheritance.

Submissions (8):

PreventionGenetics, part of Exact Sciences
Classification: Pathogenic for CEP290-related condition. Last evaluated: 2025-11-26. Review status: criteria provided, single submitter. Criteria: ACMG Guidelines, 2015. Collection method: clinical testing. Allele origin: germline.
Comment: The CEP290 c.5649dupA variant is predicted to result in a frameshift and premature protein termination (p.Leu1884Thrfs*23). This variant was reported in a addition to another CEP290 frameshift variant in at least two individuals with Joubert syndrome (Sayer et al. 2006. PubMed ID: 16682973 (known in trans); Table S5, Chaki et al. 2011. PubMed ID: 21866095), and in addition to another variant in an individual with Retinitis Pigmentosa (Table 2, Haer-Wigman et al. 2017. PubMed ID: 28224992). This variant has not been reported in a large population database (gnomAD), indicating this variant is rare. Frameshift variants in CEP290 are expected to be pathogenic. This variant is interpreted as pathogenic.

North West Genomic Laboratory Hub, Manchester University NHS Foundation Trust
Classification: Pathogenic for Paediatric disorders. Last evaluated: 2025-11-11. Review status: criteria provided, single submitter. Criteria: ACGS Best Practice Guidelines for Variant Classification in Rare Disease 2024. Collection method: clinical testing. Allele origin: germline. Affected: yes.
Comment: PM2_Mod PVS1_VStr PM3_Mod

Myriad Genetics, Inc.
Classification: Pathogenic for CEP290-related ciliopathy. Last evaluated: 2025-01-17. Review status: criteria provided, single submitter. Criteria: Myriad Autosomal Dominant, Autosomal Recessive and X-Linked Classification Criteria (2023). Collection method: clinical testing. Allele origin: unknown.
Comment: NM_025114.3(CEP290):c.5649dupA(L1884Tfs*23) is a frameshift variant classified as pathogenic in the context of CEP290-related disorders. L1884Tfs*23 has been observed in a case with relevant disease (PMID: 16682973). Relevant functional assessments of this variant are not available in the literature. L1884Tfs*23 has not been observed in referenced population frequency databases. In summary, NM_025114.3(CEP290):c.5649dupA(L1884Tfs*23) is a frameshift variant in a gene where loss of function is a known mechanism of disease, is predicted to disrupt protein function, and has been observed more frequently in cases with the relevant disease than in healthy populations. Please note: this variant was assessed in the context of healthy population screening.

Baylor Genetics
Classification: Pathogenic for Bardet-Biedl syndrome 14. Last evaluated: 2023-12-13. Review status: criteria provided, single submitter. Criteria: ACMG Guidelines, 2015. Collection method: clinical testing. Allele origin: unknown.

Labcorp Genetics (formerly Invitae), Labcorp
Classification: Pathogenic for Joubert syndrome; Meckel-Gruber syndrome; Nephronophthisis. Last evaluated: 2023-08-02. Review status: criteria provided, single submitter. Criteria: Invitae Variant Classification Sherloc (09022015). Collection method: clinical testing. Allele origin: germline.
Comment: For these reasons, this variant has been classified as Pathogenic. ClinVar contains an entry for this variant (Variation ID: 99860). This premature translational stop signal has been observed in individuals with Joubert syndrome and retinitis pigmentosa (PMID: 16682973, 21866095, 28224992). This variant is not present in population databases (gnomAD no frequency). This sequence change creates a premature translational stop signal (p.Leu1884Thrfs*23) in the CEP290 gene. It is expected to result in an absent or disrupted protein product. Loss-of-function variants in CEP290 are known to be pathogenic (PMID: 16909394, 17345604, 20690115).

Fulgent Genetics
Classification: Pathogenic for Joubert syndrome 5; Senior-Loken syndrome 6; Meckel syndrome, type 4; Leber congenital amaurosis 10; Bardet-Biedl syndrome 14. Last evaluated: 2022-02-28. Review status: criteria provided, single submitter. Criteria: ACMG Guidelines, 2015. Collection method: clinical testing. Allele origin: unknown.

Joint Genome Diagnostic Labs from Nijmegen and Maastricht, Radboudumc and MUMC+
Classification: Pathogenic for Retinitis pigmentosa. Last evaluated: 2016-09-01. Review status: no assertion criteria provided. Collection method: clinical testing. Allele origin: unknown. Affected: yes. Observed: 1 variant allele. Not counted in ClinVar's aggregate classification.

Retina International
No classification provided. Review status: no classification provided. Collection method: not provided. Allele origin: not provided. Not counted in ClinVar's aggregate classification.

Literature cited by the submitters: PubMed 16682973 (cited by Myriad Genetics, Inc. and Labcorp Genetics (formerly Invitae), Labcorp); PubMed 21866095 (cited by Labcorp Genetics (formerly Invitae), Labcorp); PubMed 28224992 (cited by Labcorp Genetics (formerly Invitae), Labcorp); PubMed 16909394 (cited by Labcorp Genetics (formerly Invitae), Labcorp); PubMed 17345604 (cited by Labcorp Genetics (formerly Invitae), Labcorp); PubMed 20690115 (cited by Labcorp Genetics (formerly Invitae), Labcorp).